The following is an entry in ClinVar:

NM_002226.5(JAG2):c.612C>T (p.Ser204=)

Gene: JAG2 (jagged canonical Notch ligand 2; minus strand). Cytogenetic location: 14q32.33.
Variant type: single nucleotide variant.
Coding change: c.612C>T on transcript NM_002226.5 (MANE Select); coding-DNA position 612, C replaced by T.
Protein change: p.Ser204=; no amino-acid change (serine 204 retained).
Molecular consequence: synonymous variant.
Genome position (GRCh38, 1-based): chr14:105,155,853, G>A on the plus strand (C>T on the coding strand, the complement: JAG2 is on the minus strand). VCF-style: chr14-105155853-G-A. GRCh37 (hg19) VCF-style: chr14-105622190-G-A.
Other names: c.612C>T, p.Ser204= (NM_145159.3).
Identifiers: ClinVar variation 3053714 (VCV003053714.2), dbSNP rs147352437, ClinGen allele CA7386393.

ClinVar aggregate classification (germline): Likely benign (0 of 4 stars; one submission).

Conditions:
JAG2-related disorder. Also called: JAG2-related condition.

Allele frequency attached by ClinVar (database versions not stated): gnomAD exomes 0.00002; ExAC 0.00003; gnomAD 0.00004; TOPMed 0.00005; ESP Exome Variant Server 0.00008.
gnomAD v4.1: 32 of 1,612,410 alleles (0.002%); highest among the groups gnomAD compares: African/African-American, 0.0053%; no homozygotes.

Submission:

PreventionGenetics, part of Exact Sciences
Classification: Likely benign for JAG2-related condition. Last evaluated: 2019-08-27. Review status: no assertion criteria provided. Collection method: clinical testing. Allele origin: germline.
Comment: This variant is classified as likely benign based on ACMG/AMP sequence variant interpretation guidelines (Richards et al. 2015 PMID: 25741868, with internal and published modifications).